The following is an entry in ClinVar:

NM_178857.6(RP1L1):c.134G>A (p.Arg45Gln)

Gene: RP1L1 (RP1 like 1). Cytogenetic location: 8p23.1.
Variant type: single nucleotide variant.
Coding change: c.134G>A on transcript NM_178857.6 (MANE Select); coding-DNA position 134, G replaced by A.
Protein change: p.Arg45Gln; replaces arginine 45 with glutamine.
Molecular consequence: missense variant.
Genome position (GRCh38, 1-based): chr8:10,623,068, C>T on the plus strand (G>A on the coding strand, the complement: RP1L1 is on the minus strand). VCF-style: chr8-10623068-C-T. GRCh37 (hg19) VCF-style: chr8-10480578-C-T.
Other names: short protein forms R45Q.
Identifiers: ClinVar variation 909668 (VCV000909668.11), dbSNP rs770740394, ClinGen allele CA4625862.
Genomic context (GRCh38, chr8:10,623,068, plus strand): 5'-ATGAGGGCGCTGAAGGTCTTAAAGGCGCGCTGGTGAACGGCCAGGCGGACCCCAGCAAAC[C>T]GTGGATCCCCTCGCTTGAGGAAGGTGATCTTCTTGGCTGGCGTGACCTTGGTGACCGAGG-3'
Protein context (NP_849188.4, residues 35-55): KITFLKRGDP[Arg45Gln]FAGVRLAVHQ

ClinVar aggregate classification (germline): Conflicting classifications of pathogenicity. Review status: criteria provided, conflicting classifications (1 of 4 stars). 4 submissions from 4 submitters: Uncertain significance (3); Benign (1). Last evaluated 2026-09-25.

Conditions:
Occult macular dystrophy (OCMD). Also called: OMD; OCCULT MACULAR DYSTROPHY, SUSCEPTIBILITY TO. Identifiers: Orphanet 247834, MedGen C3150833, MONDO:0013316, OMIM 613587, HP:0030636.
RP1L1-related disorder. Also called: RP1L1-related condition.

Allele frequency attached by ClinVar (database versions not stated): ExAC 0.00007; gnomAD exomes 0.00007 and 0.00008; gnomAD 0.00010.
gnomAD v4.1: 112 of 1,613,946 alleles (0.0069%); highest among the groups gnomAD compares: Non-Finnish European, 0.0053%; no homozygotes.

Submissions (4):

PreventionGenetics, part of Exact Sciences
Classification: Uncertain significance for RP1L1-related condition. Last evaluated: 2026-09-25. Review status: criteria provided, single submitter. Criteria: ACMG Guidelines, 2015. Collection method: clinical testing. Allele origin: germline.
Comment: The RP1L1 c.134G>A variant is predicted to result in the amino acid substitution p.Arg45Gln. This variant was reported in an individual with retinitis pigmentosa (Davidson et al. 2013. PubMed ID: 23281133). However, this variant is reported in 0.052% of alleles in individuals of European (Finnish) descent in gnomAD, which may be too frequent to be a primary cause of disease. Although we suspect that this variant may be benign, at this time, the clinical significance of this variant is uncertain due to the absence of conclusive functional and genetic evidence.

Labcorp Genetics (formerly Invitae), Labcorp
Classification: Uncertain significance. Last evaluated: 2026-01-23. Review status: criteria provided, single submitter. Criteria: Invitae Variant Classification Sherloc (09022015). Collection method: clinical testing. Allele origin: germline.
Comment: This sequence change replaces arginine, which is basic and polar, with glutamine, which is neutral and polar, at codon 45 of the RP1L1 protein (p.Arg45Gln). This variant is present in population databases (rs770740394, gnomAD 0.05%). This missense change has been observed in individual(s) with retinitis pigmentosa (PMID: 23281133). ClinVar contains an entry for this variant (Variation ID: 909668). Invitae Evidence Modeling of protein sequence and biophysical properties (such as structural, functional, and spatial information, amino acid conservation, physicochemical variation, residue mobility, and thermodynamic stability) indicates that this missense variant is not expected to disrupt RP1L1 protein function with a negative predictive value of 80%. In summary, the available evidence is currently insufficient to determine the role of this variant in disease. Therefore, it has been classified as a Variant of Uncertain Significance.

Blueprint Genetics
Classification: Uncertain significance. Last evaluated: 2024-06-07. Review status: criteria provided, single submitter. Criteria: ACMG Guidelines, 2015. Collection method: clinical testing. Allele origin: germline.

Illumina Laboratory Services, Illumina
Classification: Benign for Occult macular dystrophy. Last evaluated: 2017-04-28. Review status: criteria provided, single submitter. Criteria: ICSL Variant Classification Criteria 13 December 2019. Collection method: clinical testing. Allele origin: germline.
Comment: This variant was observed as part of a predisposition screen in an ostensibly healthy population. A literature search was performed for the gene, cDNA change, and amino acid change (where applicable). Publications were found based on this search. The evidence from the literature, in combination with allele frequency data from public databases where available, was sufficient to rule this variant out of causing disease. Therefore, this variant is classified as benign.

Literature cited by the submitters: PubMed 23281133 (cited by Labcorp Genetics (formerly Invitae), Labcorp and Illumina Laboratory Services, Illumina).